The following is an entry in ClinVar:

NM_133433.4(NIPBL):c.1783A>T (p.Asn595Tyr)

Gene: NIPBL (NIPBL cohesin loading factor; plus strand). Cytogenetic location: 5p13.2.
Variant type: single nucleotide variant.
Coding change: c.1783A>T on transcript NM_133433.4 (MANE Select); coding-DNA position 1783, A replaced by T.
Protein change: p.Asn595Tyr; replaces asparagine 595 with tyrosine.
Molecular consequence: missense variant.
Genome position (GRCh38, 1-based): chr5:36,984,963, A>T. VCF-style: chr5-36984963-A-T. GRCh37 (hg19) VCF-style: chr5-36985065-A-T.
Other names: c.1783A>T, p.Asn595Tyr (NM_015384.5); c.1783A>T (NM_133433.3); short protein forms N595Y.
Identifiers: ClinVar variation 2081352 (VCV002081352.8), dbSNP rs751966925, ClinGen allele CA3236084.

ClinVar aggregate classification (germline): Conflicting classifications of pathogenicity. Review status: criteria provided, conflicting classifications (1 of 4 stars). 3 submissions from 3 submitters: Uncertain significance (2); Likely benign (1). Last evaluated 2025-07-15.

Conditions:
Inborn genetic diseases. Identifiers: MedGen C0950123, MeSH D030342.
Cornelia de Lange syndrome 1 (CDLS1). Also called: TYPUS DEGENERATIVUS AMSTELODAMENSIS; Brachmann de Lange syndrome; NIPBL-Related Cornelia de Lange Syndrome. Identifiers: Orphanet 199, MedGen C4551851, MONDO:0007387, OMIM 122470.

Allele frequency attached by ClinVar (database versions not stated): gnomAD exomes 0.00001; TOPMed 0.00002; ExAC 0.00003.
gnomAD v4.1: 9 of 1,613,900 alleles (0.00056%); highest among the groups gnomAD compares: Admixed American, 0.01%; no homozygotes.

Submissions (3):

Ambry Genetics
Classification: Likely benign for Inborn genetic diseases. Last evaluated: 2025-07-15. Review status: criteria provided, single submitter. Criteria: Ambry Variant Classification Scheme 2023. Collection method: clinical testing. Allele origin: germline.

Labcorp Genetics (formerly Invitae), Labcorp
Classification: Uncertain significance for Cornelia de Lange syndrome 1. Last evaluated: 2024-07-06. Review status: criteria provided, single submitter. Criteria: Invitae Variant Classification Sherloc (09022015). Collection method: clinical testing. Allele origin: germline.
Comment: This sequence change replaces asparagine, which is neutral and polar, with tyrosine, which is neutral and polar, at codon 595 of the NIPBL protein (p.Asn595Tyr). This variant is present in population databases (rs751966925, gnomAD 0.009%). This variant has not been reported in the literature in individuals affected with NIPBL-related conditions. ClinVar contains an entry for this variant (Variation ID: 2081352). Advanced modeling of protein sequence and biophysical properties (such as structural, functional, and spatial information, amino acid conservation, physicochemical variation, residue mobility, and thermodynamic stability) has been performed at Invitae for this missense variant, however the output from this modeling did not meet the statistical confidence thresholds required to predict the impact of this variant on NIPBL protein function. In summary, the available evidence is currently insufficient to determine the role of this variant in disease. Therefore, it has been classified as a Variant of Uncertain Significance.

Revvity Omics, Revvity
Classification: Uncertain significance for Cornelia de Lange syndrome 1. Last evaluated: 2022-02-14. Review status: criteria provided, single submitter. Criteria: ACMG Guidelines, 2015. Collection method: clinical testing. Allele origin: germline.